The following is an entry in ClinVar:

ClinVar aggregate classification (germline): Uncertain significance. Review status: criteria provided, multiple submitters, no conflicts (2 of 4 stars). 2 submissions from 2 submitters: Uncertain significance (2). Last evaluated 2025-02-14.

Conditions:
Familial melanoma. Also called: Hereditary melanoma; Hereditary cutaneous melanoma. Identifiers: Orphanet 618, MedGen C1512419, MONDO:0018961.
Hereditary cancer-predisposing syndrome. Also called: Hereditary Cancer Syndrome; Tumor predisposition; Hereditary neoplastic syndrome; Neoplastic Syndromes, Hereditary. Identifiers: Orphanet 140162, MedGen C0027672, MeSH D009386, MONDO:0015356.

Submissions (2):

Ambry Genetics
Classification: Uncertain significance for Hereditary cancer-predisposing syndrome. Last evaluated: 2025-02-14. Review status: criteria provided, single submitter. Criteria: Ambry Variant Classification Scheme 2023. Collection method: clinical testing. Allele origin: germline.
Comment: The p.P41S variant (also known as c.121C>T), located in coding exon 1 of the CDKN2A gene, results from a C to T substitution at nucleotide position 121. The proline at codon 41 is replaced by serine, an amino acid with similar properties. This amino acid position is not well conserved in available vertebrate species. In addition, the in silico prediction for this alteration is inconclusive. Based on the available evidence, the clinical significance of this variant remains unclear.

Labcorp Genetics (formerly Invitae), Labcorp
Classification: Uncertain significance for Familial melanoma. Last evaluated: 2024-03-18. Review status: criteria provided, single submitter. Criteria: Invitae Variant Classification Sherloc (09022015). Collection method: clinical testing. Allele origin: germline.
Comment: This sequence change replaces proline, which is neutral and non-polar, with serine, which is neutral and polar, at codon 41 of the CDKN2A (p16INK4a) protein (p.Pro41Ser). This variant is not present in population databases (gnomAD no frequency). This missense change has been observed in individual(s) with ovarian cancer (PMID: 34326862). An algorithm developed to predict the effect of missense changes on protein structure and function (PolyPhen-2) suggests that this variant is likely to be tolerated. In summary, the available evidence is currently insufficient to determine the role of this variant in disease. Therefore, it has been classified as a Variant of Uncertain Significance.

Literature cited by the submitters: PubMed 34326862 (cited by Labcorp Genetics (formerly Invitae), Labcorp).

NM_000077.5(CDKN2A):c.121C>T (p.Pro41Ser)

Gene: CDKN2A (cyclin dependent kinase inhibitor 2A; minus strand). Cytogenetic location: 9p21.3.
Variant type: single nucleotide variant.
Coding change: c.121C>T on transcript NM_000077.5; coding-DNA position 121, C replaced by T.
Protein change: p.Pro41Ser; replaces proline 41 with serine.
Molecular consequence: missense variant (on NM_000077.6). On other transcripts: intron variant (2).
Genome position (GRCh38, 1-based): chr9:21,974,707, G>A on the plus strand (C>T on the coding strand, the complement: CDKN2A is on the minus strand). VCF-style: chr9-21974707-G-A. GRCh37 (hg19) VCF-style: chr9-21974706-G-A.
Other names: c.121C>T, p.Pro41Ser (NM_000077.6, NM_001195132.2, NM_058197.5); c.-3-3499C>T (NM_001363763.2); c.194-3499C>T (NM_058195.4); short protein forms P41S.
Identifiers: ClinVar variation 2804807 (VCV002804807.4), dbSNP rs765321737, ClinGen allele CA373086528.